The following is an entry in ClinVar:

ClinVar aggregate classification (germline): Uncertain significance (1 of 4 stars; one submission).

Submission:

GeneDx
Classification: Uncertain significance. Last evaluated: 2025-04-22. Review status: criteria provided, single submitter. Criteria: GeneDx Variant Classification Process June 2021. Collection method: clinical testing. Allele origin: germline. Affected: yes.
Comment: Not observed at significant frequency in large population cohorts (gnomAD); In silico analysis supports that this missense variant has a deleterious effect on protein structure/function; Has not been previously published as pathogenic or benign to our knowledge

NM_001134673.4(NFIA):c.690A>C (p.Arg230Ser)

Gene: NFIA (nuclear factor I A; plus strand). Cytogenetic location: 1p31.3.
Variant type: single nucleotide variant.
Coding change: c.690A>C on transcript NM_001134673.4 (MANE Select); coding-DNA position 690, A replaced by C.
Protein change: p.Arg230Ser; replaces arginine 230 with serine.
Molecular consequence: missense variant.
Genome position (GRCh38, 1-based): chr1:61,332,576, A>C. VCF-style: chr1-61332576-A-C. GRCh37 (hg19) VCF-style: chr1-61798248-A-C.
Other names: c.666A>C, p.Arg222Ser (NM_001145511.2); c.825A>C, p.Arg275Ser (NM_001145512.2); c.690A>C, p.Arg230Ser (NM_005595.5); short protein forms R222S, R230S, R275S.
Identifiers: ClinVar variation 4527284 (VCV004527284.1).
Genomic context (GRCh38, chr1:61,332,576, plus strand): 5'-TTTGGGCTTCCAGGACAGTTTTGTCACATCAGGTGTTTTTAGTGTCACTGAGCTAGTAAG[A>C]GTGTCACAGAGTAAGTATAATTTTGCTTTGATTTGGTACAGATTTGCCTTGGTTTGTGCT-3'
Protein context (NP_001128145.1, residues 220-240): SGVFSVTELV[Arg230Ser]VSQTPIAAGT